The following is an entry in ClinVar:

NM_001710.6(CFB):c.1002G>C (p.Trp334Cys)

Gene: CFB (complement factor B; plus strand). Cytogenetic location: 6p21.33.
Variant type: single nucleotide variant.
Coding change: c.1002G>C on transcript NM_001710.6 (MANE Select); coding-DNA position 1002, G replaced by C.
Protein change: p.Trp334Cys; replaces tryptophan 334 with cysteine.
Molecular consequence: missense variant.
Genome position (GRCh38, 1-based): chr6:31,948,478, G>C. VCF-style: chr6-31948478-G-C. GRCh37 (hg19) VCF-style: chr6-31916255-G-C.
Other names: short protein forms W334C.
Identifiers: ClinVar variation 1023384 (VCV001023384.9), dbSNP rs200986170, ClinGen allele CA136894956.

ClinVar aggregate classification (germline): Uncertain significance (1 of 4 stars; one submission).

Allele frequency attached by ClinVar (database versions not stated): gnomAD exomes below 0.00001 and 0.00001; gnomAD 0.00001; TOPMed 0.00001; 1000 Genomes Project 30x 0.00016; 1000 Genomes Project 0.00020.

Submission:

Labcorp Genetics (formerly Invitae), Labcorp
Classification: Uncertain significance. Last evaluated: 2020-10-19. Review status: criteria provided, single submitter. Criteria: Invitae Variant Classification Sherloc (09022015). Collection method: clinical testing. Allele origin: germline.
Comment: In summary, the available evidence is currently insufficient to determine the role of this variant in disease. Therefore, it has been classified as a Variant of Uncertain Significance. Algorithms developed to predict the effect of missense changes on protein structure and function are either unavailable or do not agree on the potential impact of this missense change (SIFT: "Tolerated"; PolyPhen-2: "Probably Damaging"; Align-GVGD: "Class C0"). This variant has not been reported in the literature in individuals with CFB-related conditions. This variant is not present in population databases (ExAC no frequency). This sequence change replaces tryptophan with cysteine at codon 334 of the CFB protein (p.Trp334Cys). The tryptophan residue is moderately conserved and there is a large physicochemical difference between tryptophan and cysteine.